The following is an entry in ClinVar:

NM_001844.5(COL2A1):c.3949A>G (p.Met1317Val)

Gene: COL2A1 (collagen type II alpha 1 chain; minus strand). Cytogenetic location: 12q13.11.
Variant type: single nucleotide variant.
Coding change: c.3949A>G on transcript NM_001844.5 (MANE Select); coding-DNA position 3949, A replaced by G.
Protein change: p.Met1317Val; replaces methionine 1317 with valine.
Molecular consequence: missense variant.
Genome position (GRCh38, 1-based): chr12:47,974,800, T>C on the plus strand (A>G on the coding strand, the complement: COL2A1 is on the minus strand). VCF-style: chr12-47974800-T-C. GRCh37 (hg19) VCF-style: chr12-48368583-T-C.
Other names: c.3742A>G, p.Met1248Val (NM_033150.3); short protein forms M1248V, M1317V.
Identifiers: ClinVar variation 2193076 (VCV002193076.4), dbSNP rs1201540358, ClinGen allele CA384535932.

ClinVar aggregate classification (germline): Uncertain significance (1 of 4 stars; one submission).

Allele frequency attached by ClinVar (database versions not stated): gnomAD exomes 0.00001; TOPMed 0.00001.

Submission:

Labcorp Genetics (formerly Invitae), Labcorp
Classification: Uncertain significance. Last evaluated: 2021-12-21. Review status: criteria provided, single submitter. Criteria: Invitae Variant Classification Sherloc (09022015). Collection method: clinical testing. Allele origin: germline.
Comment: In summary, the available evidence is currently insufficient to determine the role of this variant in disease. Therefore, it has been classified as a Variant of Uncertain Significance. Advanced modeling of protein sequence and biophysical properties (such as structural, functional, and spatial information, amino acid conservation, physicochemical variation, residue mobility, and thermodynamic stability) performed at Invitae indicates that this missense variant is not expected to disrupt COL2A1 protein function. This variant has not been reported in the literature in individuals affected with COL2A1-related conditions. This variant is present in population databases (no rsID available, gnomAD 0.0009%). This sequence change replaces methionine, which is neutral and non-polar, with valine, which is neutral and non-polar, at codon 1317 of the COL2A1 protein (p.Met1317Val).